The following is an entry in ClinVar:

ClinVar aggregate classification (germline): Conflicting classifications of pathogenicity. Review status: criteria provided, conflicting classifications (1 of 4 stars). 7 submissions from 7 submitters: Uncertain significance (2); Likely benign (4). 1 of the submissions does not count toward it. Last evaluated 2026-05-01.

Conditions:
Norman-Roberts syndrome (LIS2). Also called: Lissencephaly 2 (Norman-Roberts type). Identifiers: Orphanet 89844, MedGen C0796089, MONDO:0009760, OMIM 257320.
Familial temporal lobe epilepsy 7. Identifiers: Orphanet 101046, MedGen C4225327, MONDO:0014639, OMIM 616436.
RELN-related disorder. Also called: RELN-related condition.

Allele frequency attached by ClinVar (database versions not stated): gnomAD 0.00033 and 0.00034; ExAC 0.00034; gnomAD exomes 0.00038; TOPMed 0.00044; 1000 Genomes Project 0.00060; 1000 Genomes Project 30x 0.00062; ESP Exome Variant Server 0.00062.
gnomAD v4.1: 792 of 1,614,004 alleles (0.049%); highest among the groups gnomAD compares: Admixed American, 0.077%; 1 homozygote.

Submissions (7):

CeGaT Center for Human Genetics Tuebingen
Classification: Likely benign. Last evaluated: 2026-05-01. Review status: criteria provided, single submitter. Criteria: CeGaT Center For Human Genetics Tuebingen Variant Classification Criteria Version 2. Collection method: clinical testing. Allele origin: germline. Affected: yes. Observed: 7 variant alleles.
Comment: RELN: BP4, BP7

Labcorp Genetics (formerly Invitae), Labcorp
Classification: Likely benign for Familial temporal lobe epilepsy 7; Norman-Roberts syndrome. Last evaluated: 2026-02-03. Review status: criteria provided, single submitter. Criteria: Invitae Variant Classification Sherloc (09022015). Collection method: clinical testing. Allele origin: germline.

GeneDx
Classification: Likely benign. Last evaluated: 2018-01-26. Review status: criteria provided, single submitter. Criteria: GeneDx Variant Classification (06012015). Collection method: clinical testing. Allele origin: germline. Affected: yes.
Comment: This variant is considered likely benign or benign based on one or more of the following criteria: it is a conservative change, it occurs at a poorly conserved position in the protein, it is predicted to be benign by multiple in silico algorithms, and/or has population frequency not consistent with disease.

Illumina Laboratory Services, Illumina
Classification: Uncertain significance for Norman-Roberts syndrome. Last evaluated: 2018-01-13. Review status: criteria provided, single submitter. Criteria: ICSL Variant Classification Criteria 13 December 2019. Collection method: clinical testing. Allele origin: germline.

Genetic Services Laboratory, University of Chicago
Classification: Likely benign. Last evaluated: 2017-10-24. Review status: criteria provided, single submitter. Criteria: ACMG Guidelines, 2015. Collection method: clinical testing. Allele origin: germline. Affected: no.

Eurofins Ntd Llc (ga)
Classification: Uncertain significance. Last evaluated: 2013-11-11. Review status: criteria provided, single submitter. Criteria: EGL Classification Definitions 2015. Collection method: clinical testing. Allele origin: germline. Observed: 2 variant alleles, 2 heterozygotes.

PreventionGenetics, part of Exact Sciences
Classification: Likely benign for RELN-related condition. Last evaluated: 2019-03-21. Review status: no assertion criteria provided. Collection method: clinical testing. Allele origin: germline. Not counted in ClinVar's aggregate classification.
Comment: This variant is classified as likely benign based on ACMG/AMP sequence variant interpretation guidelines (Richards et al. 2015 PMID: 25741868, with internal and published modifications).

NM_005045.4(RELN):c.9825C>T (p.Ser3275=)

Genes: RELN (reelin; minus strand), SLC26A5-AS1 (SLC26A5 antisense RNA 1; plus strand). Cytogenetic location: 7q22.1.
Variant type: single nucleotide variant.
Coding change: c.9825C>T on transcript NM_005045.4 (MANE Select); coding-DNA position 9825, C replaced by T.
Protein change: p.Ser3275=; no amino-acid change (serine 3275 retained).
Molecular consequence: synonymous variant.
Genome position (GRCh38, 1-based): chr7:103,486,355, G>A on the plus strand (C>T on the coding strand, the complement: RELN is on the minus strand). VCF-style: chr7-103486355-G-A. GRCh37 (hg19) VCF-style: chr7-103126802-G-A.
Other names: c.9825C>T, p.Ser3275= (NM_173054.3).
Identifiers: ClinVar variation 95240 (VCV000095240.60), dbSNP rs149713137, ClinGen allele CA205133.